The following is an entry in ClinVar:

ClinVar aggregate classification (germline): Uncertain significance (1 of 4 stars; one submission).

Conditions:
Combined oxidative phosphorylation defect type 27. Also called: Combined oxidative phosphorylation deficiency 27. Identifiers: Orphanet 477774, MedGen C5567608, MONDO:0014728, OMIM 616672.

Allele frequency attached by ClinVar (database versions not stated): ExAC 0.00001.
gnomAD v4.1: 15 of 1,613,538 alleles (0.00093%); highest among the groups gnomAD compares: Non-Finnish European, 0.0012%; no homozygotes.

Submission:

Labcorp Genetics (formerly Invitae), Labcorp
Classification: Uncertain significance for Combined oxidative phosphorylation defect type 27. Last evaluated: 2020-09-28. Review status: criteria provided, single submitter. Criteria: Invitae Variant Classification Sherloc (09022015). Collection method: clinical testing. Allele origin: germline.
Comment: In summary, the available evidence is currently insufficient to determine the role of this variant in disease. Therefore, it has been classified as a Variant of Uncertain Significance. Algorithms developed to predict the effect of sequence changes on RNA splicing suggest that this variant may create or strengthen a splice site, but this prediction has not been confirmed by published transcriptional studies. Algorithms developed to predict the effect of missense changes on protein structure and function (SIFT, PolyPhen-2, Align-GVGD) all suggest that this variant is likely to be disruptive, but these predictions have not been confirmed by published functional studies and their clinical significance is uncertain. This variant has not been reported in the literature in individuals with CARS2-related conditions. This variant is present in population databases (rs767243208, ExAC 0.001%). This sequence change replaces isoleucine with serine at codon 176 of the CARS2 protein (p.Ile176Ser). The isoleucine residue is highly conserved and there is a large physicochemical difference between isoleucine and serine.

NM_024537.4(CARS2):c.527T>G (p.Ile176Ser)

Gene: CARS2 (cysteinyl-tRNA synthetase 2, mitochondrial; minus strand). Cytogenetic location: 13q34.
Variant type: single nucleotide variant.
Coding change: c.527T>G on transcript NM_024537.4 (MANE Select); coding-DNA position 527, T replaced by G.
Protein change: p.Ile176Ser; replaces isoleucine 176 with serine.
Molecular consequence: missense variant. On other transcripts: 5 prime UTR variant (1), non-coding transcript variant (2).
Genome position (GRCh38, 1-based): chr13:110,687,765, A>C on the plus strand (T>G on the coding strand, the complement: CARS2 is on the minus strand). VCF-style: chr13-110687765-A-C. GRCh37 (hg19) VCF-style: chr13-111340112-A-C.
Other names: c.-473T>G (NM_001352252.2); c.527T>G, p.Ile176Ser (NM_001352253.3); short protein forms I176S.
Identifiers: ClinVar variation 1004974 (VCV001004974.7), dbSNP rs767243208, ClinGen allele CA7052216.
Genomic context (GRCh38, chr13:110,687,765, plus strand): 5'-AGAACATAAACCCTACCTTTTGCCGTTGAATAAGCGTTCCCACGAGCAATGATTCCTTCA[A>C]TGAAAGAAATTATCTGAGGAATATTTTCGGTTACCCTCAGGTACACCGTGGGTGGGAGAA-3'
Protein context (NP_078813.1, residues 166-186): TENIPQIISF[Ile176Ser]EGIIARGNAY